The following is an entry in ClinVar:

ClinVar aggregate classification (germline): Uncertain significance (1 of 4 stars; one submission).

Conditions:
Nephronophthisis 20 (NPHP20). Identifiers: MedGen C4310640, MONDO:0014997, OMIM 617271.

Allele frequency attached by ClinVar (database versions not stated): gnomAD exomes below 0.00001.
gnomAD v4.1: 1 of 1,614,190 alleles (0.000062%); highest among the groups gnomAD compares: Middle Eastern, 0.016%; no homozygotes.

Submission:

Victorian Clinical Genetics Services, Murdoch Childrens Research Institute
Classification: Uncertain significance for Nephronophthisis 20. Last evaluated: 2020-05-25. Review status: criteria provided, single submitter. Criteria: ACMG Guidelines, 2015. Collection method: clinical testing. Allele origin: germline. Inheritance: Autosomal recessive inheritance. Affected: yes.
Comment: Based on the classification scheme VCGS_Germline_v1.1.1, this variant is classified as VUS – 3B. Following criteria are met: 0102 - Loss-of-function is a known mechanism of disease for this gene. (N) 0106 - This gene is known to be associated with autosomal recessive disease. (N) 0200 - Variant is predicted to result in a missense amino acid change from isoleucine to valine (exon 12). (N) 0251 - Variant is heterozygous. (N) 0304 - Variant is present in gnomAD <0.01 for a recessive condition (1 heterozygote, 0 homozygotes). (P) 0502 - Missense variant with conflicting in silico predictions and uninformative conservation. (N) 0600 - Variant is located in an annotated domain or motif (WD40 repeat; NCBI). (N) 0705 - No comparable variants have previous evidence for pathogenicity. (N) 0807 - Variant has not previously been reported in a clinical context. (N) 0905 - No segregation evidence has been identified for this variant. (N) 1007 - No published functional evidence has been identified for this variant. (N) 1208 - Inheritance information for this variant is not currently available. (N) Legend: (P) - Pathogenic, (N) - Neutral, (B) - Benign

NM_014994.3(MAPKBP1):c.1426A>G (p.Ile476Val)

Gene: MAPKBP1 (mitogen-activated protein kinase binding protein 1; plus strand). Cytogenetic location: 15q15.1.
Variant type: single nucleotide variant.
Coding change: c.1426A>G on transcript NM_014994.3 (MANE Select); coding-DNA position 1426, A replaced by G.
Protein change: p.Ile476Val; replaces isoleucine 476 with valine.
Molecular consequence: missense variant. On other transcripts: non-coding transcript variant (2).
Genome position (GRCh38, 1-based): chr15:41,815,732, A>G. VCF-style: chr15-41815732-A-G. GRCh37 (hg19) VCF-style: chr15-42107930-A-G.
Other names: c.1444A>G, p.Ile482Val (NM_001128608.2); c.1426A>G, p.Ile476Val (NM_001265611.2); short protein forms I476V, I482V.
Identifiers: ClinVar variation 1805864 (VCV001805864.1), dbSNP rs1567150961, ClinGen allele CA391860208.
Genomic context (GRCh38, chr15:41,815,732, plus strand): 5'-GACACAGAGCTGCCTGGAGGAGACAAAGCTGATGCATCCCTGTTGGATCCCCGCGTGGGC[A>G]TCCGCTCGGTGTGTGTCAGCCCCAATGGACAGCATCTAGCATCAGGGGACCGTATGGGCA-3'
Protein context (NP_055809.2, residues 466-486): DASLLDPRVG[Ile476Val]RSVCVSPNGQ